The following is an entry in ClinVar:

ClinVar aggregate classification (germline): Pathogenic. Review status: criteria provided, multiple submitters, no conflicts (2 of 4 stars). 2 submissions from 2 submitters: Pathogenic (2). Last evaluated 2022-08-23.

Conditions:
Rothmund-Thomson syndrome (RTS). Also called: Poikiloderma Congenitale; Poikiloderma of Rothmund-Thomson. Identifiers: Orphanet 2909, MedGen C0032339, MONDO:0010002.
Baller-Gerold syndrome (BGS). Also called: CRANIOSYNOSTOSIS WITH RADIAL DEFECTS. Identifiers: Orphanet 1225, MedGen C0265308, MONDO:0009039, OMIM 218600.

Submissions (2):

Labcorp Genetics (formerly Invitae), Labcorp
Classification: Pathogenic for Baller-Gerold syndrome. Last evaluated: 2022-08-23. Review status: criteria provided, single submitter. Criteria: Invitae Variant Classification Sherloc (09022015). Collection method: clinical testing. Allele origin: germline.
Comment: For these reasons, this variant has been classified as Pathogenic. ClinVar contains an entry for this variant (Variation ID: 561097). This premature translational stop signal has been observed in individual(s) with clinical features of RECQL4-related conditions (PMID: 17250521). This variant is not present in population databases (gnomAD no frequency). This sequence change creates a premature translational stop signal (p.Trp383*) in the RECQL4 gene. It is expected to result in an absent or disrupted protein product. Loss-of-function variants in RECQL4 are known to be pathogenic (PMID: 12734318, 12952869).

Baylor Genetics
Classification: Pathogenic for Rothmund-Thomson syndrome type 2. Last evaluated: 2017-09-01. Review status: criteria provided, single submitter. Criteria: ACMG Guidelines, 2015. Collection method: clinical testing. Allele origin: germline. Inheritance: Autosomal recessive inheritance. Affected: yes.

Literature cited by the submitters: PubMed 17250521 (cited by Labcorp Genetics (formerly Invitae), Labcorp and Baylor Genetics); PubMed 12734318 (cited by Labcorp Genetics (formerly Invitae), Labcorp); PubMed 12952869 (cited by Labcorp Genetics (formerly Invitae), Labcorp); PubMed 25326635 (cited by Baylor Genetics).

NM_004260.4(RECQL4):c.1149G>A (p.Trp383Ter)

Gene: RECQL4 (RecQ like helicase 4; minus strand). Cytogenetic location: 8q24.3.
Variant type: single nucleotide variant.
Coding change: c.1149G>A on transcript NM_004260.4 (MANE Select); coding-DNA position 1149, G replaced by A.
Protein change: p.Trp383Ter; replaces tryptophan 383 with a stop codon.
Molecular consequence: nonsense.
Genome position (GRCh38, 1-based): chr8:144,515,873, C>T on the plus strand (G>A on the coding strand, the complement: RECQL4 is on the minus strand). VCF-style: chr8-144515873-C-T. GRCh37 (hg19) VCF-style: chr8-145741257-C-T.
Other names: short protein forms W383*.
Identifiers: ClinVar variation 561097 (VCV000561097.8), dbSNP rs1564804479, ClinGen allele CA372687799.